The following is an entry in ClinVar:

NM_198578.4(LRRK2):c.7232C>T (p.Ser2411Phe)

Gene: LRRK2 (leucine rich repeat kinase 2; plus strand). Cytogenetic location: 12q12.
Variant type: single nucleotide variant.
Coding change: c.7232C>T on transcript NM_198578.4 (MANE Select); coding-DNA position 7232, C replaced by T.
Protein change: p.Ser2411Phe; replaces serine 2411 with phenylalanine.
Molecular consequence: missense variant.
Genome position (GRCh38, 1-based): chr12:40,364,892, C>T. VCF-style: chr12-40364892-C-T. GRCh37 (hg19) VCF-style: chr12-40758694-C-T.
Other names: short protein forms S2411F.
Identifiers: ClinVar variation 1757824 (VCV001757824.2), dbSNP rs955857635, ClinGen allele CA235360519.

ClinVar aggregate classification (germline): Uncertain significance (1 of 4 stars; one submission).

Conditions:
Inborn genetic diseases. Identifiers: MedGen C0950123, MeSH D030342.

Allele frequency attached by ClinVar (database versions not stated): TOPMed below 0.00001; gnomAD 0.00001; gnomAD exomes 0.00001.
gnomAD v4.1: 15 of 1,612,194 alleles (0.00093%); highest among the groups gnomAD compares: Admixed American, 0.01%; no homozygotes.

Submission:

Ambry Genetics
Classification: Uncertain significance for Inborn genetic diseases. Last evaluated: 2024-02-16. Review status: criteria provided, single submitter. Criteria: Ambry Variant Classification Scheme 2023. Collection method: clinical testing. Allele origin: germline.
Comment: The p.S2411F variant (also known as c.7232C>T), located in coding exon 49 of the LRRK2 gene, results from a C to T substitution at nucleotide position 7232. The serine at codon 2411 is replaced by phenylalanine, an amino acid with highly dissimilar properties. This amino acid position is conserved. In addition, the in silico prediction for this alteration is inconclusive. Since supporting evidence is limited at this time, the clinical significance of this alteration remains unclear.